The following is an entry in ClinVar:

NM_000038.6(APC):c.4921G>T (p.Val1641Leu)

Gene: APC (APC regulator of Wnt signaling pathway; plus strand). Cytogenetic location: 5q22.2.
Variant type: single nucleotide variant.
Coding change: c.4921G>T on transcript NM_000038.6 (MANE Select); coding-DNA position 4921, G replaced by T.
Protein change: p.Val1641Leu; replaces valine 1641 with leucine.
Molecular consequence: missense variant.
Genome position (GRCh38, 1-based): chr5:112,840,515, G>T. VCF-style: chr5-112840515-G-T. GRCh37 (hg19) VCF-style: chr5-112176212-G-T.
Other names: c.4921G>T, p.Val1641Leu (NM_001127510.3, NM_001354895.2, NM_001407450.1); c.4867G>T, p.Val1623Leu (NM_001127511.3); c.4975G>T, p.Val1659Leu (NM_001354896.2, NM_001407447.1, NM_001407448.1 and 1 more transcripts); c.4951G>T, p.Val1651Leu (NM_001354897.2); c.4846G>T, p.Val1616Leu (NM_001354898.2); c.4837G>T, p.Val1613Leu (NM_001354899.2); c.4798G>T, p.Val1600Leu (NM_001354900.2); c.4744G>T, p.Val1582Leu (NM_001354901.2, NM_001407453.1); and 11 more; short protein forms V1358L, V1512L, V1540L, V1558L, V1634L, V1669L, V1257L, V1582L.
Identifiers: ClinVar variation 1744135 (VCV001744135.2), dbSNP rs755126540, ClinGen allele CA16032110.

ClinVar aggregate classification (germline): Uncertain significance (1 of 4 stars; one submission).

Conditions:
Hereditary cancer-predisposing syndrome. Also called: Hereditary Cancer Syndrome; Neoplastic Syndromes, Hereditary; Tumor predisposition; Hereditary neoplastic syndrome. Identifiers: Orphanet 140162, MedGen C0027672, MeSH D009386, MONDO:0015356.

gnomAD v4.1: 1 of 1,614,140 alleles (0.000062%); no homozygotes.

Submission:

Ambry Genetics
Classification: Uncertain significance for Hereditary cancer-predisposing syndrome. Last evaluated: 2021-02-24. Review status: criteria provided, single submitter. Criteria: Ambry Variant Classification Scheme 2023. Collection method: clinical testing. Allele origin: germline.
Comment: The p.V1641L variant (also known as c.4921G>T), located in coding exon 15 of the APC gene, results from a G to T substitution at nucleotide position 4921. The valine at codon 1641 is replaced by leucine, an amino acid with highly similar properties. This amino acid position is well conserved in available vertebrate species. In addition, in silico predictors for this gene do not accurately predict pathogenicity. Since supporting evidence is limited at this time, the clinical significance of this alteration remains unclear.